The following is an entry in ClinVar:

ClinVar aggregate classification (germline): Uncertain significance (1 of 4 stars; one submission).

Conditions:
Peroxisome biogenesis disorder 11A (Zellweger). Also called: Peroxisome biogenesis disorder 11A. Identifiers: Orphanet 912, MedGen C3554000, MONDO:0013949, OMIM 614883.

Submission:

Labcorp Genetics (formerly Invitae), Labcorp
Classification: Uncertain significance for Peroxisome biogenesis disorder 11A (Zellweger). Last evaluated: 2022-07-16. Review status: criteria provided, single submitter. Criteria: Invitae Variant Classification Sherloc (09022015). Collection method: clinical testing. Allele origin: germline.
Comment: Algorithms developed to predict the effect of missense changes on protein structure and function (SIFT, PolyPhen-2, Align-GVGD) all suggest that this variant is likely to be disruptive. In summary, the available evidence is currently insufficient to determine the role of this variant in disease. Therefore, it has been classified as a Variant of Uncertain Significance. This variant has not been reported in the literature in individuals affected with PEX13-related conditions. This variant is not present in population databases (gnomAD no frequency). This sequence change replaces glycine, which is neutral and non-polar, with valine, which is neutral and non-polar, at codon 99 of the PEX13 protein (p.Gly99Val).

NM_002618.4(PEX13):c.296G>T (p.Gly99Val)

Gene: PEX13 (peroxisomal biogenesis factor 13; plus strand). Cytogenetic location: 2p15.
Variant type: single nucleotide variant.
Coding change: c.296G>T on transcript NM_002618.4 (MANE Select); coding-DNA position 296, G replaced by T.
Protein change: p.Gly99Val; replaces glycine 99 with valine.
Molecular consequence: missense variant.
Genome position (GRCh38, 1-based): chr2:61,031,622, G>T. VCF-style: chr2-61031622-G-T. GRCh37 (hg19) VCF-style: chr2-61258757-G-T.
Other names: short protein forms G99V.
Identifiers: ClinVar variation 2198692 (VCV002198692.4), dbSNP rs2467507711, ClinGen allele CA346942004.